The following is an entry in ClinVar:

ClinVar aggregate classification (germline): Pathogenic (1 of 4 stars; one submission).

Conditions:
Kufor-Rakeb syndrome (KRS). Also called: PARKINSON DISEASE 9, AUTOSOMAL RECESSIVE, JUVENILE-ONSET. Identifiers: Orphanet 306674, Orphanet 314632, MedGen C1847640, MONDO:0011706, OMIM 606693.
Autosomal recessive spastic paraplegia type 78. Identifiers: Orphanet 513436, MedGen C5567893, MONDO:0014975, OMIM 617225.

Submission:

Labcorp Genetics (formerly Invitae), Labcorp
Classification: Pathogenic for Kufor-Rakeb syndrome; Autosomal recessive spastic paraplegia type 78. Last evaluated: 2022-03-12. Review status: criteria provided, single submitter. Criteria: Invitae Variant Classification Sherloc (09022015). Collection method: clinical testing. Allele origin: germline.
Comment: This variant has not been reported in the literature in individuals affected with ATP13A2-related conditions. This sequence change creates a premature translational stop signal (p.Arg460Glyfs*6) in the ATP13A2 gene. It is expected to result in an absent or disrupted protein product. Loss-of-function variants in ATP13A2 are known to be pathogenic (PMID: 16964263, 21696388). This variant is not present in population databases (gnomAD no frequency). For these reasons, this variant has been classified as Pathogenic.

Literature cited by the submitters: PubMed 16964263; PubMed 21696388.

NM_022089.4(ATP13A2):c.1378del (p.Arg460fs)

Gene: ATP13A2 (ATPase cation transporting 13A2; minus strand). Cytogenetic location: 1p36.13.
Variant type: Deletion.
Coding change: c.1378del on transcript NM_022089.4 (MANE Select); coding-DNA position 1378, one base deleted (C; older notation c.1378delC).
Protein change: p.Arg460fs; shifts the reading frame from arginine 460.
Molecular consequence: frameshift variant.
Genome position (GRCh38, 1-based): chr1:16,996,140, G deleted on the plus strand (C on the coding strand, the reverse complement: ATP13A2 is on the minus strand); the first of 2 consecutive G bases (chr1:16,996,140-16,996,141); deleting either gives the same sequence. VCF-style (leftmost placement, unchanged base first): chr1-16996139-CG-C. GRCh37 (hg19) VCF-style: chr1-17322634-CG-C.
Other names: c.1363del, p.Arg455fs (NM_001141973.3, NM_001141974.3); short protein forms R455fs, R460fs.
Identifiers: ClinVar variation 2179757 (VCV002179757.4), dbSNP rs2523608853, ClinGen allele CA2580060620.